The following is an entry in ClinVar:

NM_006940.6(SOX5):c.2214G>C (p.Glu738Asp)

Gene: SOX5 (SRY-box transcription factor 5; minus strand). Cytogenetic location: 12p12.1.
Variant type: single nucleotide variant.
Coding change: c.2214G>C on transcript NM_006940.6 (MANE Select); coding-DNA position 2214, G replaced by C.
Protein change: p.Glu738Asp; replaces glutamic acid 738 with aspartic acid.
Molecular consequence: missense variant.
Genome position (GRCh38, 1-based): chr12:23,534,297, C>G on the plus strand (G>C on the coding strand, the complement: SOX5 is on the minus strand). VCF-style: chr12-23534297-C-G. GRCh37 (hg19) VCF-style: chr12-23687231-C-G.
Other names: c.1851G>C, p.Glu617Asp (NM_001261414.3); c.2184G>C, p.Glu728Asp (NM_001261415.3); c.2109G>C, p.Glu703Asp (NM_001330785.2); c.2175G>C, p.Glu725Asp (NM_152989.5); c.1056G>C, p.Glu352Asp (NM_178010.4); short protein forms E352D, E617D, E703D, E725D, E728D, E738D.
Identifiers: ClinVar variation 3360802 (VCV003360802.1).
Genomic context (GRCh38, chr12:23,534,297, plus strand): 5'-AATATGGTTTTCACTGTCACTCCCATAATCTACATCTGGATCATCCTCTTCCTCGTCGTA[C>G]TCATCATAAATTTCTCCATTGATGTCCTCGGCCTGTATCTCTTCTTTGATATGTGGCTCC-3'
Protein context (NP_008871.3, residues 728-748): AEDINGEIYD[Glu738Asp]YDEEEDDPDV

ClinVar aggregate classification (germline): Uncertain significance (1 of 4 stars; one submission).

Submission:

GeneDx
Classification: Uncertain significance. Last evaluated: 2023-07-04. Review status: criteria provided, single submitter. Criteria: GeneDx Variant Classification Process June 2021. Collection method: clinical testing. Allele origin: germline. Affected: yes.
Comment: Not observed at significant frequency in large population cohorts (gnomAD); In silico analysis supports that this missense variant does not alter protein structure/function; Has not been previously published as pathogenic or benign to our knowledge